The following is an entry in ClinVar:

ClinVar aggregate classification (germline): Likely benign (1 of 4 stars; one submission).

gnomAD v4.1: 86 of 1,613,154 alleles (0.0053%); highest among the groups gnomAD compares: Non-Finnish European, 0.0069%; no homozygotes.

Submission:

CeGaT Center for Human Genetics Tuebingen
Classification: Likely benign. Last evaluated: 2025-09-01. Review status: criteria provided, single submitter. Criteria: CeGaT Center For Human Genetics Tuebingen Variant Classification Criteria Version 2. Collection method: clinical testing. Allele origin: germline. Affected: yes. Observed: 1 variant allele.
Comment: LUZP1: BP4, BP7

NM_001395462.2(LUZP1):c.900A>T (p.Thr300=)

Gene: LUZP1 (leucine zipper protein 1; minus strand). Cytogenetic location: 1p36.12.
Variant type: single nucleotide variant.
Coding change: c.900A>T on transcript NM_001395462.2 (MANE Select); coding-DNA position 900, A replaced by T.
Protein change: p.Thr300=; no amino-acid change (threonine 300 retained).
Molecular consequence: synonymous variant.
Genome position (GRCh38, 1-based): chr1:23,093,362, T>A on the plus strand (A>T on the coding strand, the complement: LUZP1 is on the minus strand). VCF-style: chr1-23093362-T-A. GRCh37 (hg19) VCF-style: chr1-23419855-T-A.
Other names: c.900A>T, p.Thr300= (NM_001142546.4, NM_001395461.1, NM_033631.5).
Identifiers: ClinVar variation 4281275 (VCV004281275.7).